The following is an entry in ClinVar:

NM_024678.6(NARS2):c.513+15G>A

Gene: NARS2 (asparaginyl-tRNA synthetase 2, mitochondrial; minus strand). Cytogenetic location: 11q14.1.
Variant type: single nucleotide variant.
Coding change: c.513+15G>A on transcript NM_024678.6 (MANE Select); 15 bases into the intron after coding-DNA position 513, G replaced by A.
Molecular consequence: intron variant.
Genome position (GRCh38, 1-based): chr11:78,566,117, C>T on the plus strand (G>A on the coding strand, the complement: NARS2 is on the minus strand). VCF-style: chr11-78566117-C-T. GRCh37 (hg19) VCF-style: chr11-78277163-C-T.
Other names: c.-169+15G>A (NM_001243251.2).
Identifiers: ClinVar variation 381800 (VCV000381800.10), dbSNP rs184777922, ClinGen allele CA6205823.

ClinVar aggregate classification (germline): Benign/Likely benign. Review status: criteria provided, multiple submitters, no conflicts (2 of 4 stars). 3 submissions from 3 submitters: Benign (1); Likely benign (2). Last evaluated 2026-01-14.

Allele frequency attached by ClinVar (database versions not stated): ESP Exome Variant Server 0.00077; 1000 Genomes Project 30x 0.00125; 1000 Genomes Project 0.00160; ExAC 0.00263; gnomAD 0.00303 and 0.00319; gnomAD exomes 0.00306; TOPMed 0.00063.
gnomAD v4.1: 2,659 of 1,593,288 alleles (0.17%); highest among the groups gnomAD compares: Admixed American, 0.1%; 23 homozygotes.

Submissions (3):

Labcorp Genetics (formerly Invitae), Labcorp
Classification: Benign. Last evaluated: 2026-01-14. Review status: criteria provided, single submitter. Criteria: Invitae Variant Classification Sherloc (09022015). Collection method: clinical testing. Allele origin: germline.

Blueprint Genetics
Classification: Likely benign. Last evaluated: 2024-11-13. Review status: criteria provided, single submitter. Criteria: ACMG Guidelines, 2015. Collection method: clinical testing. Allele origin: germline.

GeneDx
Classification: Likely benign. Last evaluated: 2017-03-23. Review status: criteria provided, single submitter. Criteria: GeneDx Variant Classification (06012015). Collection method: clinical testing. Allele origin: germline. Affected: yes.
Comment: This variant is considered likely benign or benign based on one or more of the following criteria: it is a conservative change, it occurs at a poorly conserved position in the protein, it is predicted to be benign by multiple in silico algorithms, and/or has population frequency not consistent with disease.